The following is an entry in ClinVar:

NM_002474.3(MYH11):c.4963_4965del (p.Lys1655del)

Genes: MYH11 (myosin heavy chain 11; minus strand), NDE1 (nudE neurodevelopment protein 1; plus strand). Cytogenetic location: 16p13.11.
Variant type: Deletion.
Coding change: c.4963_4965del on transcript NM_002474.3 (MANE Select); coding-DNA positions 4963 to 4965, 3 bases deleted (AAG; older notation c.4963_4965delAAG).
Protein change: p.Lys1655del; deletes lysine 1655.
Molecular consequence: intron variant (on NM_017668.3).
Genome position (GRCh38, 1-based): chr16:15,719,702-15,719,704, CTT deleted on the plus strand (AAG on the coding strand, the reverse complement: MYH11 is on the minus strand); deleting any 3 consecutive bases within chr16:15,719,702-15,719,705 gives the same sequence; the c. name uses the placement nearest the transcript's 3' end. VCF-style (leftmost placement, unchanged base first): chr16-15719701-CCTT-C. GRCh37 (hg19) VCF-style: chr16-15813558-CCTT-C.
Other names: c.4984_4986del, p.Lys1662del (NM_001040113.2, NM_001040114.2); c.4963_4965del, p.Lys1655del (NM_022844.3); c.948-4488_948-4486del (NM_001143979.2, NM_017668.3); short protein forms K1655del, K1662del.
Identifiers: ClinVar variation 3364039 (VCV003364039.1).

ClinVar aggregate classification (germline): Uncertain significance (1 of 4 stars; one submission).

Submission:

GeneDx
Classification: Uncertain significance. Last evaluated: 2023-11-14. Review status: criteria provided, single submitter. Criteria: GeneDx Variant Classification Process June 2021. Collection method: clinical testing. Allele origin: germline. Affected: yes.
Comment: Not observed at significant frequency in large population cohorts (gnomAD); In-frame deletion of 1 amino acid in a non-repeat region; In silico analysis supports a deleterious effect on protein structure/function; Has not been previously published as pathogenic or benign to our knowledge